The following is an entry in ClinVar:

NM_018341.3(ERMARD):c.743-1G>C

Gene: ERMARD (ER membrane associated RNA degradation; plus strand). Cytogenetic location: 6q27.
Variant type: single nucleotide variant.
Coding change: c.743-1G>C on transcript NM_018341.3 (MANE Select); the canonical splice acceptor site of the intron before coding-DNA position 743, G replaced by C.
Molecular consequence: splice acceptor variant.
Genome position (GRCh38, 1-based): chr6:169,760,641, G>C. VCF-style: chr6-169760641-G-C. GRCh37 (hg19) VCF-style: chr6-170160737-G-C.
Other names: c.743-1G>C (NM_001278531.2, NM_001278533.2); c.365-1G>C (NM_001278532.2, NM_001410957.1).
Identifiers: ClinVar variation 3654450 (VCV003654450.2).

ClinVar aggregate classification (germline): Uncertain significance (1 of 4 stars; one submission).

gnomAD v4.1: 2 of 1,574,342 alleles (0.00013%); highest among the groups gnomAD compares: Non-Finnish European, 0.00017%; no homozygotes.

Submission:

Labcorp Genetics (formerly Invitae), Labcorp
Classification: Uncertain significance. Last evaluated: 2024-05-29. Review status: criteria provided, single submitter. Criteria: Invitae Variant Classification Sherloc (09022015). Collection method: clinical testing. Allele origin: germline.
Comment: This sequence change affects an acceptor splice site in intron 7 of the ERMARD gene. It is expected to disrupt RNA splicing. Variants that disrupt the donor or acceptor splice site typically lead to a loss of protein function (PMID: 16199547), however the current clinical and genetic evidence is not sufficient to establish whether loss-of-function variants in ERMARD cause disease. This variant is not present in population databases (gnomAD no frequency). This variant has not been reported in the literature in individuals affected with ERMARD-related conditions. Algorithms developed to predict the effect of sequence changes on RNA splicing suggest that this variant may disrupt the consensus splice site. In summary, the available evidence is currently insufficient to determine the role of this variant in disease. Therefore, it has been classified as a Variant of Uncertain Significance.

Literature cited by the submitters: PubMed 16199547.